The following is an entry in ClinVar:

NM_001303.4(COX10):c.*1078C>T

Gene: COX10 (cytochrome c oxidase assembly factor heme A:farnesyltransferase COX10; plus strand). Cytogenetic location: 17p12.
Variant type: single nucleotide variant.
Coding change: c.*1078C>T on transcript NM_001303.4 (MANE Select); 1078 bases downstream of the stop codon, C replaced by T.
Molecular consequence: 3 prime UTR variant.
Genome position (GRCh38, 1-based): chr17:14,208,291, C>T. VCF-style: chr17-14208291-C-T. GRCh37 (hg19) VCF-style: chr17-14111608-C-T.
Identifiers: ClinVar variation 321839 (VCV000321839.8), dbSNP rs13183, ClinGen allele CA10648602.

ClinVar aggregate classification (germline): Benign. Review status: criteria provided, multiple submitters, no conflicts (2 of 4 stars). 4 submissions from 3 submitters: Benign (4). Last evaluated 2021-05-11.

Conditions:
Leigh syndrome (NULS). Also called: Leigh Disease; Subacute necrotizing encephalopathy; Necrotizing encephalopathy infantile subacute of Leigh; Leigh's necrotizing encephalopathy; Leigh's disease; Leigh's syndrome. Identifiers: Orphanet 506, MedGen C2931891, MONDO:0009723, OMIM 256000.
Mitochondrial complex IV deficiency, nuclear type 1 (MC4DN1). Also called: COX DEFICIENCY; Mitochondrial complex IV deficiency; Complex 4 mitochondrial respiratory chain deficiency; Deficiency of mitochondrial respiratory chain complex4; Complex IV deficiency. Identifiers: MedGen C5435656, MONDO:0700250, OMIM 220110. Disease mechanism: loss of function.

Allele frequency attached by ClinVar (database versions not stated): 1000 Genomes Project 30x 0.19660; 1000 Genomes Project 0.20188; TOPMed 0.23320; gnomAD 0.23332 and 0.23599; gnomAD exomes 0.33333.

Submissions (4):

GeneDx
Classification: Benign. Last evaluated: 2021-05-11. Review status: criteria provided, single submitter. Criteria: GeneDx Variant Classification Process June 2021. Collection method: clinical testing. Allele origin: germline. Affected: yes.

Illumina Laboratory Services, Illumina
Classification: Benign for Leigh syndrome. Last evaluated: 2018-01-13. Review status: criteria provided, single submitter. Criteria: ICSL Variant Classification Criteria 13 December 2019. Collection method: clinical testing. Allele origin: germline.
Comment: This variant was observed in the ICSL laboratory as part of a predisposition screen in an ostensibly healthy population. It had not been previously curated by ICSL or reported in the Human Gene Mutation Database (HGMD: prior to June 1st, 2018), and was therefore a candidate for classification through an automated scoring system. Utilizing variant allele frequency, disease prevalence and penetrance estimates, and inheritance mode, an automated score was calculated to assess if this variant is too frequent to cause the disease. Based on the score and internal cut-off values, a variant classified as benign is not then subjected to further curation. The score for this variant resulted in a classification of benign for this disease.

Illumina Laboratory Services, Illumina
Classification: Benign for Mitochondrial complex IV deficiency, nuclear type 1. Last evaluated: 2018-01-13. Review status: criteria provided, single submitter. Criteria: ICSL Variant Classification Criteria 13 December 2019. Collection method: clinical testing. Allele origin: germline.
Comment: the same text as in the submission from Illumina Laboratory Services, Illumina above.

Breakthrough Genomics
Classification: Benign. Review status: criteria provided, single submitter. Criteria: ACMG Guidelines, 2015. Collection method: not provided. Allele origin: germline. Inheritance: Autosomal recessive inheritance. Affected: yes.